The following is an entry in ClinVar:

ClinVar aggregate classification (germline): Pathogenic/Likely pathogenic. Review status: criteria provided, multiple submitters, no conflicts (2 of 4 stars). 2 submissions from 2 submitters: Pathogenic (1); Likely pathogenic (1). Last evaluated 2025-09-05.

Conditions:
Zellweger spectrum disorders (ZS). Also called: Zellweger Spectrum Disorder (ZSD); Zellweger Spectrum Disorder; Zellweger Spectrum; Zellweger syndrome. Identifiers: Orphanet 912, MedGen C0043459, MONDO:0019609.
Peroxisome biogenesis disorder. Identifiers: Orphanet 79189, MedGen C1832200, MONDO:0019234. Disease mechanism: loss of function.

Submissions (2):

Natera, Inc.
Classification: Likely pathogenic for Zellweger syndrome. Last evaluated: 2025-09-05. Review status: criteria provided, single submitter. Criteria: Natera Variant Classification Schema (03/2026). Collection method: clinical testing. Allele origin: germline.
Comment: The c.698del variant in PEX6 is a frameshift variant predicted to shift the reading frame beginning at codon 233 and leads to a stop codon 13 codons downstream. This variant is expected to result in nonsense mediated decay, truncation, or a dysfunctional protein product. This variant is rare in the general population with a frequency below the threshold expected for the associated phenotype(s). Given the available evidence, this variant is classified as Likely Pathogenic.

Labcorp Genetics (formerly Invitae), Labcorp
Classification: Pathogenic for Peroxisome biogenesis disorder. Last evaluated: 2023-12-19. Review status: criteria provided, single submitter. Criteria: Invitae Variant Classification Sherloc (09022015). Collection method: clinical testing. Allele origin: germline.
Comment: This sequence change creates a premature translational stop signal (p.Asn233Thrfs*13) in the PEX6 gene. It is expected to result in an absent or disrupted protein product. Loss-of-function variants in PEX6 are known to be pathogenic (PMID: 10408779, 21031596, 31831025). This variant is not present in population databases (gnomAD no frequency). This variant has not been reported in the literature in individuals affected with PEX6-related conditions. ClinVar contains an entry for this variant (Variation ID: 2028036). For these reasons, this variant has been classified as Pathogenic.

Literature cited by the submitters: PubMed 10408779 (cited by Labcorp Genetics (formerly Invitae), Labcorp); PubMed 21031596 (cited by Labcorp Genetics (formerly Invitae), Labcorp); PubMed 31831025 (cited by Labcorp Genetics (formerly Invitae), Labcorp).

NM_000287.4(PEX6):c.698del (p.Asn233fs)

Gene: PEX6 (peroxisomal biogenesis factor 6; minus strand). Cytogenetic location: 6p21.1.
Variant type: Deletion.
Coding change: c.698del on transcript NM_000287.4 (MANE Select); coding-DNA position 698, one base deleted (A; older notation c.698delA).
Protein change: p.Asn233fs; shifts the reading frame from asparagine 233.
Molecular consequence: frameshift variant. On other transcripts: non-coding transcript variant (1), intron variant (1).
Genome position (GRCh38, 1-based): chr6:42,978,453, T deleted on the plus strand (A on the coding strand, the reverse complement: PEX6 is on the minus strand); the first of 2 consecutive T bases (chr6:42,978,453-42,978,454); deleting either gives the same sequence. VCF-style (leftmost placement, unchanged base first): chr6-42978452-GT-G. GRCh37 (hg19) VCF-style: chr6-42946190-GT-G.
Other names: c.698del (NM_000287.3); c.618+80del (NM_001316313.2); short protein forms N233fs.
Identifiers: ClinVar variation 2028036 (VCV002028036.5), dbSNP rs2481277016, ClinGen allele CA2580074639.